The following is an entry in ClinVar:

NM_004370.6(COL12A1):c.7519+6T>C

Gene: COL12A1 (collagen type XII alpha 1 chain; minus strand). Cytogenetic location: 6q13.
Variant type: single nucleotide variant.
Coding change: c.7519+6T>C on transcript NM_004370.6 (MANE Select); 6 bases into the intron after coding-DNA position 7519, T replaced by C.
Molecular consequence: intron variant.
Genome position (GRCh38, 1-based): chr6:75,117,376, A>G on the plus strand (T>C on the coding strand, the complement: COL12A1 is on the minus strand). VCF-style: chr6-75117376-A-G. GRCh37 (hg19) VCF-style: chr6-75827092-A-G.
Other names: c.4027+6T>C (NM_080645.3).
Identifiers: ClinVar variation 1394188 (VCV001394188.6), dbSNP rs2149363457, ClinGen allele CA2573141218.

ClinVar aggregate classification (germline): Uncertain significance (1 of 4 stars; one submission).

Conditions:
Bethlem myopathy 2 (BTHLM2). Identifiers: Orphanet 536516, Orphanet 610, MedGen C4225313, MONDO:0034022, OMIM 616471.
Ullrich congenital muscular dystrophy 2 (UCMD2). Identifiers: Orphanet 75840, MedGen C4225314, MONDO:0014654, OMIM 616470.

Submission:

Labcorp Genetics (formerly Invitae), Labcorp
Classification: Uncertain significance for Bethlem myopathy 2; Ullrich congenital muscular dystrophy 2. Last evaluated: 2025-05-25. Review status: criteria provided, single submitter. Criteria: Invitae Variant Classification Sherloc (09022015). Collection method: clinical testing. Allele origin: germline.
Comment: This sequence change falls in intron 47 of the COL12A1 gene. It does not directly change the encoded amino acid sequence of the COL12A1 protein. It affects a nucleotide within the consensus splice site. This variant is not present in population databases (gnomAD no frequency). This variant has not been reported in the literature in individuals affected with COL12A1-related conditions. ClinVar contains an entry for this variant (Variation ID: 1394188). Variants that disrupt the consensus splice site are a relatively common cause of aberrant splicing (PMID: 17576681, 9536098). Algorithms developed to predict the effect of sequence changes on RNA splicing suggest that this variant is not likely to affect RNA splicing. In summary, the available evidence is currently insufficient to determine the role of this variant in disease. Therefore, it has been classified as a Variant of Uncertain Significance.

Literature cited by the submitters: PubMed 17576681; PubMed 9536098.